The following is an entry in ClinVar:

ClinVar aggregate classification (germline): Likely benign (1 of 4 stars; one submission).

Submission:

CeGaT Center for Human Genetics Tuebingen
Classification: Likely benign. Last evaluated: 2026-05-01. Review status: criteria provided, single submitter. Criteria: CeGaT Center For Human Genetics Tuebingen Variant Classification Criteria Version 2. Collection method: clinical testing. Allele origin: germline. Affected: yes. Observed: 1 variant allele.
Comment: ZSCAN10: PM2:Supporting, BP4, BP7

NM_032805.3(ZSCAN10):c.499T>C (p.Leu167=)

Gene: ZSCAN10 (zinc finger and SCAN domain containing 10; minus strand). Cytogenetic location: 16p13.3.
Variant type: single nucleotide variant.
Coding change: c.499T>C on transcript NM_032805.3 (MANE Select); coding-DNA position 499, T replaced by C.
Protein change: p.Leu167=; no amino-acid change (leucine 167 retained).
Molecular consequence: synonymous variant. On other transcripts: 5 prime UTR variant (1), intron variant (3).
Genome position (GRCh38, 1-based): chr16:3,092,214, A>G on the plus strand (T>C on the coding strand, the complement: ZSCAN10 is on the minus strand). VCF-style: chr16-3092214-A-G. GRCh37 (hg19) VCF-style: chr16-3142215-A-G.
Other names: c.-684T>C (NM_001282415.2); c.-518-386T>C (NM_001365273.1); c.119-386T>C (NM_001365272.1); c.253+328T>C (NM_001282416.2).
Identifiers: ClinVar variation 4875120 (VCV004875120.2).